The following is an entry in ClinVar:

ClinVar aggregate classification (germline): Uncertain significance (1 of 4 stars; one submission).

Conditions:
Inborn genetic diseases. Identifiers: MedGen C0950123, MeSH D030342.

Submission:

Ambry Genetics
Classification: Uncertain significance for Inborn genetic diseases. Last evaluated: 2024-11-15. Review status: criteria provided, single submitter. Criteria: Ambry Variant Classification Scheme 2023. Collection method: clinical testing. Allele origin: germline.
Comment: The p.D541Y variant (also known as c.1621G>T), located in coding exon 14 of the LRRK2 gene, results from a G to T substitution at nucleotide position 1621. The aspartic acid at codon 541 is replaced by tyrosine, an amino acid with highly dissimilar properties. This amino acid position is conserved. In addition, the in silico prediction for this alteration is inconclusive. Based on the available evidence, the clinical significance of this variant remains unclear.

NM_198578.4(LRRK2):c.1621G>T (p.Asp541Tyr)

Gene: LRRK2 (leucine rich repeat kinase 2; plus strand). Cytogenetic location: 12q12.
Variant type: single nucleotide variant.
Coding change: c.1621G>T on transcript NM_198578.4 (MANE Select); coding-DNA position 1621, G replaced by T.
Protein change: p.Asp541Tyr; replaces aspartic acid 541 with tyrosine.
Molecular consequence: missense variant.
Genome position (GRCh38, 1-based): chr12:40,263,866, G>T. VCF-style: chr12-40263866-G-T. GRCh37 (hg19) VCF-style: chr12-40657668-G-T.
Other names: short protein forms D541Y.
Identifiers: ClinVar variation 3540516 (VCV003540516.1).